The following is an entry in ClinVar:

ClinVar aggregate classification (germline): Uncertain significance (1 of 4 stars; one submission).

Conditions:
Diamond-Blackfan anemia. Also called: Blackfan Diamond syndrome; Aregenerative anemia chronic congenital; Red cell aplasia, pure hereditary; Congenital hypoplastic anemia; Aase syndrome. Identifiers: Orphanet 124, MedGen C1260899, MeSH D029503, MONDO:0015253, HP:0004810.

Submission:

Labcorp Genetics (formerly Invitae), Labcorp
Classification: Uncertain significance for Diamond-Blackfan anemia. Last evaluated: 2024-07-23. Review status: criteria provided, single submitter. Criteria: Invitae Variant Classification Sherloc (09022015). Collection method: clinical testing. Allele origin: germline.
Comment: This sequence change replaces glutamic acid, which is acidic and polar, with lysine, which is basic and polar, at codon 120 of the RPL26 protein (p.Glu120Lys). This variant is present in population databases (rs757117420, gnomAD 0.006%). This variant has not been reported in the literature in individuals affected with RPL26-related conditions. An algorithm developed to predict the effect of missense changes on protein structure and function (PolyPhen-2) suggests that this variant is likely to be tolerated. In summary, the available evidence is currently insufficient to determine the role of this variant in disease. Therefore, it has been classified as a Variant of Uncertain Significance.

NM_000987.5(RPL26):c.358G>A (p.Glu120Lys)

Gene: RPL26 (ribosomal protein L26; minus strand). Cytogenetic location: 17p13.1.
Variant type: single nucleotide variant.
Coding change: c.358G>A on transcript NM_000987.5 (MANE Select); coding-DNA position 358, G replaced by A.
Protein change: p.Glu120Lys; replaces glutamic acid 120 with lysine.
Molecular consequence: missense variant.
Genome position (GRCh38, 1-based): chr17:8,377,644, C>T on the plus strand (G>A on the coding strand, the complement: RPL26 is on the minus strand). VCF-style: chr17-8377644-C-T. GRCh37 (hg19) VCF-style: chr17-8280962-C-T.
Other names: c.358G>A, p.Glu120Lys (NM_001315530.2, NM_001315531.2); short protein forms E120K.
Identifiers: ClinVar variation 3609020 (VCV003609020.2).
Genomic context (GRCh38, chr17:8,377,644, plus strand): 5'-TGGTTTCTTCCTTGTATTTGCCCTTTTCCTTTCCTACTTGGCGAGATTTGGCTTTCCGTT[C>T]GAGGATCTTTTTGCGGTCTTTGTCCAGTTTTAGCCTAGTGATAACCACCTGCAGAAAAAT-3'
Protein context (NP_000978.1, residues 110-130): KLDKDRKKIL[Glu120Lys]RKAKSRQVGK